The following is an entry in ClinVar:

ClinVar aggregate classification (germline): Conflicting classifications of pathogenicity. Review status: criteria provided, conflicting classifications (1 of 4 stars). 3 submissions from 3 submitters: Uncertain significance (2); Likely benign (1). Last evaluated 2026-05-15.

Conditions:
Hereditary cancer-predisposing syndrome. Also called: Hereditary Cancer Syndrome; Neoplastic Syndromes, Hereditary; Tumor predisposition; Hereditary neoplastic syndrome. Identifiers: Orphanet 140162, MedGen C0027672, MeSH D009386, MONDO:0015356.
Hereditary breast ovarian cancer syndrome. Also called: Hereditary breast and ovarian cancer syndrome (HBOC); Hereditary breast and/or ovarian cancer syndrome; BRCA1- and BRCA2-Associated Hereditary Breast and Ovarian Cancer; Hereditary breast and ovarian cancer; Breast and ovarian cancer; Hereditary breast and ovarian cancer syndrome. Identifiers: Orphanet 145, MedGen C0677776, MeSH D061325, MONDO:0003582. Disease mechanism: loss of function.

Submissions (3):

Ambry Genetics
Classification: Uncertain significance for Hereditary cancer-predisposing syndrome. Last evaluated: 2026-05-15. Review status: criteria provided, single submitter. Criteria: Ambry Variant Classification Scheme 2023. Collection method: clinical testing. Allele origin: germline.
Comment: The p.P1010T variant (also known as c.3028C>A), located in coding exon 9 of the BRCA1 gene, results from a C to A substitution at nucleotide position 3028. The proline at codon 1010 is replaced by threonine, an amino acid with highly similar properties. This amino acid position is not well conserved in available vertebrate species. In addition, the in silico prediction for this alteration is inconclusive. Based on the available evidence, the clinical significance of this variant remains unclear.

University of Washington Department of Laboratory Medicine, University of Washington
Classification: Likely benign for Hereditary cancer-predisposing syndrome. Last evaluated: 2023-03-23. Review status: criteria provided, single submitter. Criteria: Dines et al. (Genet Med. 2020). Collection method: curation. Allele origin: germline.
Comment: Missense variant in a coldspot region where missense variants are very unlikely to be pathogenic (PMID:31911673).

BRCA1 coldspot (exon 11 using historical exon numbering). Reclassification based on statistical prior probability

Labcorp Genetics (formerly Invitae), Labcorp
Classification: Uncertain significance for Hereditary breast ovarian cancer syndrome. Last evaluated: 2019-10-02. Review status: criteria provided, single submitter. Criteria: Invitae Variant Classification Sherloc (09022015). Collection method: clinical testing. Allele origin: germline.
Comment: In summary, the available evidence is currently insufficient to determine the role of this variant in disease. Therefore, it has been classified as a Variant of Uncertain Significance. Algorithms developed to predict the effect of missense changes on protein structure and function output the following: SIFT: "Tolerated"; PolyPhen-2: "Possibly Damaging"; Align-GVGD: "Class C0". The threonine amino acid residue is found in multiple mammalian species, suggesting that this missense change does not adversely affect protein function. These predictions have not been confirmed by published functional studies and their clinical significance is uncertain. This variant has not been reported in the literature in individuals with BRCA1-related conditions. This variant is not present in population databases (ExAC no frequency). This sequence change replaces proline with threonine at codon 1010 of the BRCA1 protein (p.Pro1010Thr). The proline residue is moderately conserved and there is a small physicochemical difference between proline and threonine.

NM_007294.4(BRCA1):c.3028C>A (p.Pro1010Thr)

Gene: BRCA1 (BRCA1 DNA repair associated; minus strand). Cytogenetic location: 17q21.31.
Variant type: single nucleotide variant.
Coding change: c.3028C>A on transcript NM_007294.4 (MANE Select); coding-DNA position 3028, C replaced by A.
Protein change: p.Pro1010Thr; replaces proline 1010 with threonine.
Molecular consequence: missense variant. On other transcripts: intron variant (137).
Genome position (GRCh38, 1-based): chr17:43,092,503, G>T on the plus strand (C>A on the coding strand, the complement: BRCA1 is on the minus strand). VCF-style: chr17-43092503-G-T. GRCh37 (hg19) VCF-style: chr17-41244520-G-T.
Other names: c.2815C>A, p.Pro939Thr (NM_001407571.1, NM_001407915.1, NM_001407916.1 and 9 more transcripts); c.3028C>A, p.Pro1010Thr (NM_001407581.1, NM_001407582.1, NM_001407583.1 and 30 more transcripts); c.3025C>A, p.Pro1009Thr (NM_001407587.1, NM_001407590.1, NM_001407591.1 and 22 more transcripts); c.3019C>A, p.Pro1007Thr (NM_001407646.1, NM_001407647.1); c.2905C>A, p.Pro969Thr (NM_001407648.1, NM_001407674.1, NM_001407675.1 and 19 more transcripts); c.2902C>A, p.Pro968Thr (NM_001407649.1, NM_001407672.1, NM_001407673.1 and 11 more transcripts); c.2950C>A, p.Pro984Thr (NM_001407653.1, NM_001407654.1, NM_001407655.1 and 4 more transcripts); c.2947C>A, p.Pro983Thr (NM_001407659.1, NM_001407660.1, NM_001407661.1 and 1 more transcripts); and 41 more; short protein forms P963T, P1010T, P1007T, P714T, P899T, P921T, P943T, P968T.
Identifiers: ClinVar variation 934392 (VCV000934392.14), dbSNP rs1057519249, ClinGen allele CA10595938.
Genomic context (GRCh38, chr17:43,092,503, plus strand): 5'-TATTACGGCTAATTGTGCTCACTGTACTTGGAATGTTCTCATTTCCCATTTCTCTTTCAG[G>T]TGACATTGAATGTTCCTCAAAGTTTTCCTCTAGCAGATTTTTCTTACATTTAGTTTTAAC-3'
Protein context (NP_009225.1, residues 1000-1020): EENFEEHSMS[Pro1010Thr]EREMGNENIP